The following is an entry in ClinVar:

ClinVar aggregate classification (germline): Uncertain significance. Review status: reviewed by expert panel (3 of 4 stars). 2 submissions from 2 submitters: Uncertain significance (1). 1 of the submissions does not count toward it. Last evaluated 2024-06-06.

Conditions:
Glanzmann thrombasthenia. Also called: PLATELET GLYCOPROTEIN IIb-IIIa DEFICIENCY; Thrombasthenia; Glanzmann's thrombasthenia; BLEEDING DISORDER, PLATELET-TYPE, 2; THROMBASTHENIA OF GLANZMANN AND NAEGELI. Identifiers: Orphanet 849, MedGen C0040015, MONDO:0100326.

gnomAD v4.1: 61 of 1,613,372 alleles (0.0038%); highest among the groups gnomAD compares: East Asian, 0.13%; no homozygotes.

Submissions (2):

ClinGen Platelet Disorders Variant Curation Expert Panel, ClinGen
Classification: Uncertain significance for Glanzmann thrombasthenia. Last evaluated: 2024-06-06. Review status: reviewed by expert panel. Criteria: ClinGen Platelet ACMG Specifications v2-1. Collection method: curation. Allele origin: germline. Inheritance: Autosomal recessive inheritance.
Comment: The c.10G>A variant in ITGA2B is a missense variant predicted to cause substitution of Alanine by Threonine at amino acid 4. At least one patient (Proband 1 in PMID:18788610) with this variant displayed mucocutaneous bleeding and impaired aggregation with all agonists except ristocetin, which is highly specific for Glanzmann thrombasthenia (PP4_moderate). The highest population minor allele frequency in gnomAD v4.1.0 is 0.001292 58/44900 alleles in the East Asian population, which is below than the ClinGen PD VCEP threshold (>0.00158) for BS1 but above the <0.0001 threshold for PM2_supporting. Furthermore, the computational predictor REVEL gives a score of 0.232, which is below the ClinGen PD VCEP threshold of <0.25 and predicts no damaging effect on ITGA2B function (BP4). In summary, this variant meets the criteria to be classified as Uncertain significance - conflicting evidence for autosomal recessive Glanzmann Thrombasthenia based on the ACMG/AMP criteria applied, as specified by the ClinGen PD VCEP: PP4_moderate, BP4 (VCEP specifications version 2; date of approval 06/06/2024).

Labcorp Genetics (formerly Invitae), Labcorp
Classification: Uncertain significance for Glanzmann thrombasthenia. Last evaluated: 2024-06-03. Review status: criteria provided, single submitter. Criteria: Invitae Variant Classification Sherloc (09022015). Collection method: clinical testing. Allele origin: germline. Not counted in ClinVar's aggregate classification.
Comment: This sequence change replaces alanine, which is neutral and non-polar, with threonine, which is neutral and polar, at codon 4 of the ITGA2B protein (p.Ala4Thr). This variant is present in population databases (rs537367984, gnomAD 0.2%). This missense change has been observed in individual(s) with Glanzmann thrombasthenia (PMID: 18788610). Algorithms developed to predict the effect of missense changes on protein structure and function output the following: SIFT: "Not Available"; PolyPhen-2: "Probably Damaging"; Align-GVGD: "Not Available". The threonine amino acid residue is found in multiple mammalian species, which suggests that this missense change does not adversely affect protein function. In summary, the available evidence is currently insufficient to determine the role of this variant in disease. Therefore, it has been classified as a Variant of Uncertain Significance.

Literature cited by the submitters: PubMed 18788610 (cited by Labcorp Genetics (formerly Invitae), Labcorp).

NM_000419.5(ITGA2B):c.10G>A (p.Ala4Thr)

Gene: ITGA2B (integrin subunit alpha 2b; minus strand). Cytogenetic location: 17q21.31.
Variant type: single nucleotide variant.
Coding change: c.10G>A on transcript NM_000419.5 (MANE Select); coding-DNA position 10, G replaced by A.
Protein change: p.Ala4Thr; replaces alanine 4 with threonine.
Molecular consequence: missense variant.
Genome position (GRCh38, 1-based): chr17:44,389,464, C>T on the plus strand (G>A on the coding strand, the complement: ITGA2B is on the minus strand). VCF-style: chr17-44389464-C-T. GRCh37 (hg19) VCF-style: chr17-42466832-C-T.
Other names: NM_000419.5:c.10G>A; short protein forms A4T.
Identifiers: ClinVar variation 3242404 (VCV003242404.3), dbSNP rs537367984.